The following is an entry in ClinVar:

ClinVar aggregate classification (germline): Uncertain significance (1 of 4 stars; one submission).

Conditions:
RASopathy. Also called: Noonan spectrum disorder; rasopathies. Identifiers: Orphanet 536391, MedGen C5555857, MONDO:0021060.

Submission:

Labcorp Genetics (formerly Invitae), Labcorp
Classification: Uncertain significance for RASopathy. Last evaluated: 2024-03-07. Review status: criteria provided, single submitter. Criteria: Invitae Variant Classification Sherloc (09022015). Collection method: clinical testing. Allele origin: germline.
Comment: This sequence change replaces isoleucine, which is neutral and non-polar, with valine, which is neutral and non-polar, at codon 142 of the NRAS protein (p.Ile142Val). This variant is not present in population databases (gnomAD no frequency). This variant has not been reported in the literature in individuals affected with NRAS-related conditions. Advanced modeling of protein sequence and biophysical properties (such as structural, functional, and spatial information, amino acid conservation, physicochemical variation, residue mobility, and thermodynamic stability) performed at Invitae indicates that this missense variant is not expected to disrupt NRAS protein function with a negative predictive value of 95%. In summary, the available evidence is currently insufficient to determine the role of this variant in disease. Therefore, it has been classified as a Variant of Uncertain Significance.

NM_002524.5(NRAS):c.424A>G (p.Ile142Val)

Gene: NRAS (NRAS proto-oncogene, GTPase; minus strand). Cytogenetic location: 1p13.2.
Variant type: single nucleotide variant.
Coding change: c.424A>G on transcript NM_002524.5 (MANE Select); coding-DNA position 424, A replaced by G.
Protein change: p.Ile142Val; replaces isoleucine 142 with valine.
Molecular consequence: missense variant.
Genome position (GRCh38, 1-based): chr1:114,709,595, T>C on the plus strand (A>G on the coding strand, the complement: NRAS is on the minus strand). VCF-style: chr1-114709595-T-C. GRCh37 (hg19) VCF-style: chr1-115252216-T-C.
Other names: short protein forms I142V.
Identifiers: ClinVar variation 2962199 (VCV002962199.3), dbSNP rs2101738671, ClinGen allele CA341739120.